The following is an entry in ClinVar:

NM_000551.4(VHL):c.572A>T (p.His191Leu)

Genes: VHL (von Hippel-Lindau tumor suppressor; plus strand), LOC107303340 (3p25 von Hippel-Lindau tumor suppressor, E3 ubiquitin protein ligase Alu-mediated recombination region; plus strand). Cytogenetic location: 3p25.3.
Variant type: single nucleotide variant.
Coding change: c.572A>T on transcript NM_000551.4 (MANE Select); coding-DNA position 572, A replaced by T.
Protein change: p.His191Leu; replaces histidine 191 with leucine.
Molecular consequence: missense variant. On other transcripts: 3 prime UTR variant (1), non-coding transcript variant (1).
Genome position (GRCh38, 1-based): chr3:10,149,895, A>T. VCF-style: chr3-10149895-A-T. GRCh37 (hg19) VCF-style: chr3-10191579-A-T.
Other names: c.*126A>T (NM_001354723.2); c.449A>T, p.His150Leu (NM_198156.3); short protein forms H191L, H150L.
Identifiers: ClinVar variation 5031701 (VCV005031701.1).

ClinVar aggregate classification (germline): Uncertain significance (1 of 4 stars; one submission).

Conditions:
Hereditary cancer-predisposing syndrome. Also called: Neoplastic Syndromes, Hereditary; Tumor predisposition; Hereditary neoplastic syndrome; Hereditary Cancer Syndrome. Identifiers: Orphanet 140162, MedGen C0027672, MeSH D009386, MONDO:0015356.

Submission:

Ambry Genetics
Classification: Uncertain significance for Hereditary cancer-predisposing syndrome. Last evaluated: 2026-07-14. Review status: criteria provided, single submitter. Criteria: Ambry Variant Classification Scheme 2023. Collection method: clinical testing. Allele origin: germline.
Comment: The p.H191L variant (also known as c.572A>T), located in coding exon 3 of the VHL gene, results from an A to T substitution at nucleotide position 572. The histidine at codon 191 is replaced by leucine, an amino acid with similar properties. This amino acid position is well conserved in available vertebrate species. In addition, this alteration is predicted to be deleterious by in silico analysis. Based on the available evidence, the clinical significance of this variant remains unclear.